The following is an entry in ClinVar:

NC_000009.11:g.(?_133878071)_(133884691_?)del

Gene: LAMC3 (laminin subunit gamma 3; plus strand). Cytogenetic location: 9q34.12.
Variant type: Deletion.
Identifiers: ClinVar variation 1456144 (VCV001456144.6).

ClinVar aggregate classification (germline): Pathogenic (1 of 4 stars; one submission).

Submission:

Labcorp Genetics (formerly Invitae), Labcorp
Classification: Pathogenic. Last evaluated: 2020-12-22. Review status: criteria provided, single submitter. Criteria: Invitae Variant Classification Sherloc (09022015). Collection method: clinical testing. Allele origin: germline.
Comment: For these reasons, this variant has been classified as Pathogenic. This variant has not been reported in the literature in individuals with LAMC3-related conditions. This variant results in the deletion of part of exon 1 (c.-6527_94del) of the LAMC3 gene. It is expected to result in an absent or disrupted protein product. Loss-of-function variants in LAMC3 are known to be pathogenic (PMID: 21572413, 26802095).

Literature cited by the submitters: PubMed 21572413; PubMed 26802095.